The following is an entry in ClinVar:

ClinVar aggregate classification (germline): Uncertain significance. Review status: criteria provided, multiple submitters, no conflicts (2 of 4 stars). 6 submissions from 4 submitters: Uncertain significance (6). Last evaluated 2023-06-30.

Conditions:
Inborn genetic diseases. Identifiers: MedGen C0950123, MeSH D030342.
Cone-rod dystrophy 13 (CORD13). Identifiers: Orphanet 1872, MedGen C2750720, MONDO:0011987, OMIM 608194.
Leber congenital amaurosis 6 (LCA6). Identifiers: Orphanet 65, MedGen C1854260, MONDO:0013446, OMIM 613826.

Allele frequency attached by ClinVar (database versions not stated): ExAC 0.00001; gnomAD exomes 0.00002; gnomAD 0.00004; TOPMed 0.00007; ESP Exome Variant Server 0.00017.
gnomAD v4.1: 41 of 1,613,478 alleles (0.0025%); highest among the groups gnomAD compares: Non-Finnish European, 0.0033%; no homozygotes.

Submissions (6):

Labcorp Genetics (formerly Invitae), Labcorp
Classification: Uncertain significance for Leber congenital amaurosis 6; Cone-rod dystrophy 13. Last evaluated: 2023-06-30. Review status: criteria provided, single submitter. Criteria: Invitae Variant Classification Sherloc (09022015). Collection method: clinical testing. Allele origin: germline.
Comment: This sequence change replaces serine, which is neutral and polar, with asparagine, which is neutral and polar, at codon 39 of the RPGRIP1 protein (p.Ser39Asn). This variant is present in population databases (rs376435824, gnomAD 0.006%). This variant has not been reported in the literature in individuals affected with RPGRIP1-related conditions. ClinVar contains an entry for this variant (Variation ID: 881764). Advanced modeling of protein sequence and biophysical properties (such as structural, functional, and spatial information, amino acid conservation, physicochemical variation, residue mobility, and thermodynamic stability) performed at Invitae indicates that this missense variant is not expected to disrupt RPGRIP1 protein function. Algorithms developed to predict the effect of sequence changes on RNA splicing suggest that this variant may create or strengthen a splice site. In summary, the available evidence is currently insufficient to determine the role of this variant in disease. Therefore, it has been classified as a Variant of Uncertain Significance.

Ambry Genetics
Classification: Uncertain significance for Inborn genetic diseases. Last evaluated: 2022-05-25. Review status: criteria provided, single submitter. Criteria: Ambry Variant Classification Scheme 2023. Collection method: clinical testing. Allele origin: germline.

Genome-Nilou Lab
Classification: Uncertain significance for Leber congenital amaurosis 6. Last evaluated: 2021-11-07. Review status: criteria provided, single submitter. Criteria: ACMG Guidelines, 2015. Collection method: clinical testing. Allele origin: germline. Affected: no.

Genome-Nilou Lab
Classification: Uncertain significance for Cone-rod dystrophy 13. Last evaluated: 2021-11-07. Review status: criteria provided, single submitter. Criteria: ACMG Guidelines, 2015. Collection method: clinical testing. Allele origin: germline. Affected: no.

Illumina Laboratory Services, Illumina
Classification: Uncertain significance for Cone-rod dystrophy 13. Last evaluated: 2018-01-12. Review status: criteria provided, single submitter. Criteria: ICSL Variant Classification Criteria 13 December 2019. Collection method: clinical testing. Allele origin: germline.

Illumina Laboratory Services, Illumina
Classification: Uncertain significance for Leber congenital amaurosis 6. Last evaluated: 2018-01-12. Review status: criteria provided, single submitter. Criteria: ICSL Variant Classification Criteria 13 December 2019. Collection method: clinical testing. Allele origin: germline.

NM_020366.4(RPGRIP1):c.116G>A (p.Ser39Asn)

Gene: RPGRIP1 (RPGR interacting protein 1; plus strand). Cytogenetic location: 14q11.2.
Variant type: single nucleotide variant.
Coding change: c.116G>A on transcript NM_020366.4 (MANE Select); coding-DNA position 116, G replaced by A.
Protein change: p.Ser39Asn; replaces serine 39 with asparagine.
Molecular consequence: missense variant.
Genome position (GRCh38, 1-based): chr14:21,294,707, G>A. VCF-style: chr14-21294707-G-A. GRCh37 (hg19) VCF-style: chr14-21762866-G-A.
Other names: short protein forms S39N.
Identifiers: ClinVar variation 881764 (VCV000881764.15), dbSNP rs376435824, ClinGen allele CA7088570.